The following is an entry in ClinVar:

NM_000048.4(ASL):c.974T>G (p.Leu325Ter)

Gene: ASL (argininosuccinate lyase; plus strand). Cytogenetic location: 7q11.21.
Variant type: single nucleotide variant.
Coding change: c.974T>G on transcript NM_000048.4 (MANE Select); coding-DNA position 974, T replaced by G.
Protein change: p.Leu325Ter; replaces leucine 325 with a stop codon.
Molecular consequence: nonsense. On other transcripts: intron variant (1).
Genome position (GRCh38, 1-based): chr7:66,089,331, T>G. VCF-style: chr7-66089331-T-G. GRCh37 (hg19) VCF-style: chr7-65554318-T-G.
Other names: c.974T>G, p.Leu325Ter (NM_001024943.2); c.896T>G, p.Leu299Ter (NM_001024946.2); c.918+156T>G (NM_001024944.2); short protein forms L299*, L325*.
Identifiers: ClinVar variation 2419412 (VCV002419412.6), dbSNP rs756339957, ClinGen allele CA4277212.

ClinVar aggregate classification (germline): Pathogenic/Likely pathogenic. Review status: criteria provided, multiple submitters, no conflicts (2 of 4 stars). 2 submissions from 2 submitters: Pathogenic (1); Likely pathogenic (1). Last evaluated 2024-03-19.

Conditions:
Argininosuccinate lyase deficiency. Also called: ARGININOSUCCINIC ACID LYASE DEFICIENCY; ASL DEFICIENCY; Argininosuccinic aciduria. Identifiers: Orphanet 23, MedGen C0268547, MONDO:0008815, OMIM 207900, HP:0025630.

Allele frequency attached by ClinVar (database versions not stated): ExAC 0.00001.

Submissions (2):

Labcorp Genetics (formerly Invitae), Labcorp
Classification: Pathogenic for Argininosuccinate lyase deficiency. Last evaluated: 2024-03-19. Review status: criteria provided, single submitter. Criteria: Invitae Variant Classification Sherloc (09022015). Collection method: clinical testing. Allele origin: germline.
Comment: This sequence change creates a premature translational stop signal (p.Leu325*) in the ASL gene. It is expected to result in an absent or disrupted protein product. Loss-of-function variants in ASL are known to be pathogenic (PMID: 2263616, 24166829). This variant is present in population databases (rs756339957, gnomAD 0.001%). This variant has not been reported in the literature in individuals affected with ASL-related conditions. ClinVar contains an entry for this variant (Variation ID: 2419412). For these reasons, this variant has been classified as Pathogenic.

Baylor Genetics
Classification: Likely pathogenic for Argininosuccinate lyase deficiency. Last evaluated: 2023-06-18. Review status: criteria provided, single submitter. Criteria: ACMG Guidelines, 2015. Collection method: clinical testing. Allele origin: unknown.

Literature cited by the submitters: PubMed 2263616 (cited by Labcorp Genetics (formerly Invitae), Labcorp); PubMed 24166829 (cited by Labcorp Genetics (formerly Invitae), Labcorp).